The following is an entry in ClinVar:

ClinVar aggregate classification (germline): Pathogenic (1 of 4 stars; one submission).

Conditions:
Peroxisome biogenesis disorder. Identifiers: Orphanet 79189, MedGen C1832200, MONDO:0019234. Disease mechanism: loss of function.

Submission:

Myriad Genetics, Inc.
Classification: Pathogenic for Peroxisome biogenesis disorder. Last evaluated: 2026-08-29. Review status: criteria provided, single submitter. Criteria: Myriad Autosomal Dominant, Autosomal Recessive and X-Linked Classification Criteria (2023). Collection method: clinical testing. Allele origin: unknown.
Comment: NM_000287.3(PEX6):c.1027_1030dupCGGC(H344Pfs*42) is expected to be pathogenic in the context of peroxisome biogenesis disorder type 4. This variant is predicted to lead to an abnormal or absent protein product due to the creation of a premature termination codon in PEX6, a gene where loss-of-function variants are known to be pathogenic. Please note: this variant was assessed in the context of healthy population screening.

NM_000287.4(PEX6):c.1027_1030dup (p.His344fs)

Gene: PEX6 (peroxisomal biogenesis factor 6; minus strand). Cytogenetic location: 6p21.1.
Variant type: Duplication.
Coding change: c.1027_1030dup on transcript NM_000287.4 (MANE Select); coding-DNA positions 1027 to 1030, 4 bases duplicated (CGGC; older notation c.1027_1030dupCGGC).
Protein change: p.His344fs; shifts the reading frame from histidine 344.
Molecular consequence: frameshift variant. On other transcripts: non-coding transcript variant (1).
Genome position (GRCh38, 1-based): chr6:42,974,891-42,974,894, GCCG duplicated on the plus strand (CGGC on the coding strand, the reverse complement: PEX6 is on the minus strand); duplicating any 4 consecutive bases within chr6:42,974,891-42,974,895 gives the same sequence; the c. name uses the placement nearest the transcript's 3' end. VCF-style (leftmost placement, unchanged base first): chr6-42974890-T-TGCCG. GRCh37 (hg19) VCF-style: chr6-42942628-T-TGCCG.
Other names: c.763_766dup, p.His256fs (NM_001316313.2); short protein forms H256fs, H344fs.
Identifiers: ClinVar variation 5016306 (VCV005016306.1).
Genomic context (GRCh38, chr6:42,974,890, plus strand): 5'-AATGAGGGTGAGAAGCTATCCTCCTTAAAAGGTTAGGTAGCTAACCTGGGTATCTGAAAG[T>TGCCG]GCCGGTAAAGAACACCGTCATAATTTCCATTAGTGCTGTAGTGGGGAGAAGACACAATTT-3'